The following is an entry in ClinVar:

NM_005902.4(SMAD3):c.1010-10T>C

Gene: SMAD3 (SMAD family member 3; plus strand). Cytogenetic location: 15q22.33.
Variant type: single nucleotide variant.
Coding change: c.1010-10T>C on transcript NM_005902.4 (MANE Select); 10 bases into the intron before coding-DNA position 1010, T replaced by C.
Molecular consequence: intron variant.
Genome position (GRCh38, 1-based): chr15:67,187,355, T>C. VCF-style: chr15-67187355-T-C. GRCh37 (hg19) VCF-style: chr15-67479693-T-C.
Other names: c.695-10T>C (NM_001145102.2); c.878-10T>C (NM_001145103.2); c.425-10T>C (NM_001145104.2).
Identifiers: ClinVar variation 626887 (VCV000626887.14), dbSNP rs1179340088, ClinGen allele CA618688148.

ClinVar aggregate classification (germline): Conflicting classifications of pathogenicity. Review status: criteria provided, conflicting classifications (1 of 4 stars). 5 submissions from 5 submitters: Uncertain significance (1); Likely benign (4). Last evaluated 2026-01-12.

Conditions:
Familial thoracic aortic aneurysm and aortic dissection (TAAD). Also called: Thoracic aortic aneurysms and dissections. Identifiers: Orphanet 91387, MedGen C4707243, MONDO:0019625.
Aneurysm-osteoarthritis syndrome. Also called: Loeys-Dietz syndrome, type 1C; ANEURYSMS-OSTEOARTHRITIS SYNDROME; SMAD3-Related Loeys-Dietz Syndrome; LOEYS-DIETZ SYNDROME WITH OSTEOARTHRITIS. Identifiers: Orphanet 284984, MedGen C3151087, MONDO:0013426, OMIM 613795.

Allele frequency attached by ClinVar (database versions not stated): TOPMed below 0.00001; gnomAD exomes 0.00001.
gnomAD v4.1: 20 of 1,613,976 alleles (0.0012%); highest among the groups gnomAD compares: Non-Finnish European, 0.0017%; no homozygotes.

Submissions (5):

Labcorp Genetics (formerly Invitae), Labcorp
Classification: Likely benign for Familial thoracic aortic aneurysm and aortic dissection. Last evaluated: 2026-01-12. Review status: criteria provided, single submitter. Criteria: Invitae Variant Classification Sherloc (09022015). Collection method: clinical testing. Allele origin: germline.

All of Us Research Program, National Institutes of Health
Classification: Likely benign for Aneurysm-osteoarthritis syndrome. Last evaluated: 2023-11-20. Review status: criteria provided, single submitter. Criteria: ACMG Guidelines, 2015. Collection method: clinical testing. Allele origin: germline. Inheritance: Autosomal dominant inheritance. Observed: 6 variant alleles, 6 heterozygotes.
Comment: This study involves interpretation of variants in research participants for the purpose of population health screening. Participant phenotype was not available at the time of variant classification. Additional details can be found in publication PMID: 35346344, PMCID: PMC8962531

Blueprint Genetics
Classification: Likely benign. Last evaluated: 2023-08-28. Review status: criteria provided, single submitter. Criteria: ACMG Guidelines, 2015. Collection method: clinical testing. Allele origin: germline.

Color Diagnostics, LLC DBA Color Health
Classification: Likely benign for Familial thoracic aortic aneurysm and aortic dissection. Last evaluated: 2021-01-04. Review status: criteria provided, single submitter. Criteria: ACMG Guidelines, 2015. Collection method: clinical testing. Allele origin: germline.

CHEO Genetics Diagnostic Laboratory, Children's Hospital of Eastern Ontario
Classification: Uncertain significance for Familial thoracic aortic aneurysm and aortic dissection. Last evaluated: 2016-07-04. Review status: criteria provided, single submitter. Criteria: ACMG Guidelines, 2015. Collection method: clinical testing. Allele origin: germline. Study: Canadian Open Genetics Repository.